The following is an entry in ClinVar:

ClinVar aggregate classification (germline): Uncertain significance (1 of 4 stars; one submission).

Conditions:
Focal segmental glomerulosclerosis 8 (FSGS8). Identifiers: Orphanet 656, MedGen C4014993, MONDO:0014462, OMIM 616032.

Submission:

Baylor Genetics
Classification: Uncertain significance for Focal segmental glomerulosclerosis 8. Last evaluated: 2019-07-25. Review status: criteria provided, single submitter. Criteria: ACMG Guidelines, 2015. Collection method: clinical testing. Allele origin: unknown. Affected: yes.
Comment: This variant was determined to be of uncertain significance according to ACMG Guidelines, 2015 [PMID:25741868].

NM_018685.5(ANLN):c.1979A>G (p.Asp660Gly)

Gene: ANLN (anillin actin binding protein; plus strand). Cytogenetic location: 7p14.2.
Variant type: single nucleotide variant.
Coding change: c.1979A>G on transcript NM_018685.5 (MANE Select); coding-DNA position 1979, A replaced by G.
Protein change: p.Asp660Gly; replaces aspartic acid 660 with glycine.
Molecular consequence: missense variant.
Genome position (GRCh38, 1-based): chr7:36,420,278, A>G. VCF-style: chr7-36420278-A-G. GRCh37 (hg19) VCF-style: chr7-36459887-A-G.
Other names: c.1868A>G, p.Asp623Gly (NM_001284301.3); c.1865A>G, p.Asp622Gly (NM_001284302.3); short protein forms D660G, D622G, D623G.
Identifiers: ClinVar variation 1029710 (VCV001029710.1), dbSNP rs1787820175, ClinGen allele CA367212680.